The following is an entry in ClinVar:

ClinVar aggregate classification (germline): Uncertain significance. Review status: reviewed by expert panel (3 of 4 stars). 2 submissions from 2 submitters: Uncertain significance (1). 1 of the submissions does not count toward it. Last evaluated 2025-12-19.

Conditions:
Immunodeficiency 14 (IMD14A). Also called: p110-DELTA-ACTIVATING MUTATION CAUSING SENESCENT T CELLS, LYMPHADENOPATHY, AND IMMUNODEFICIENCY; Activated PI3K Delta Syndrome Type 1 (APDS1); IMMUNODEFICIENCY 14A WITH LYMPHOPROLIFERATION, AUTOSOMAL DOMINANT; ACTIVATED PI3K-DELTA SYNDROME 1. Identifiers: Orphanet 397596, Orphanet 693661, MedGen C5907821, MONDO:0014222, OMIM 615513.

Allele frequency attached by ClinVar (database versions not stated): gnomAD exomes 0.00001 and below 0.00001; ExAC 0.00001.
gnomAD v4.1: 11 of 1,614,116 alleles (0.00068%); highest among the groups gnomAD compares: South Asian, 0.0011%; no homozygotes.

Submissions (2):

ClinGen Primary Immune Regulatory Disorders Variant Curation Expert Panel, ClinGen
Classification: Uncertain significance for Immunodeficiency 14. Last evaluated: 2025-12-19. Review status: reviewed by expert panel. Criteria: ClinGen AbDef ACMG Specifications PIK3CD V1.0.0. Collection method: curation. Allele origin: germline. Inheritance: Autosomal dominant inheritance.
Comment: NM_005026.5(PIK3CD):c.965C>T (p.Pro322Leu) is a missense variant that causes substitution of proline by leucine at amino acid 322. This variant is present in gnomAD v4.1.0 at a total combined allele frequency of 0.000006815, with 11 alleles / 1,614,116 total alleles across all populations of gnomAD, which is higher than the ClinGen Antibody Deficiencies VCEP PM2_Supporting threshold of <0.00000132. This variant is present in gnomAD v4.1.0 at a GrpMax frequency of 0.000004290, with 10 alleles / 1,180,038 total alleles in European (non-Finnish) population, which is lower than the BS1 threshold of >0.000316, so no population code can be applied. This variant has been reported in 1 proband reported to have 1 phenotypic point according to Antibody Deficiencies VCEP criteria, with genotyping by whole genome sequencing identifying no alternative basis for disease in the PIK3R1 gene (VCEP member-provided data). Because the Antibody Deficiencies VCEP requires a proband to have 6 phenotypic points with testing of other loci, PS4_Supporting was not met. The computational predictor REVEL gives a score of 0.155, which is below the ClinGen Antibody Deficiencies VCEP threshold of >0.644 and does not predict a damaging effect on PIK3CD function. The computational predictor CADD gives a PHRED score of 23.9, which is below the ClinGen Antibody Deficiencies VCEP threshold of >25.3 and does not predict a deleterious effect on PIK3CD function. Because the two predictors do not agree on a damaging effect, PP3 is not met. In summary, this variant meets the criteria to be classified as a variant of uncertain significance for autosomal dominant immunodeficiency 14 based on the ACMG/AMP criteria applied, as specified by the ClinGen Antibody Deficiencies VCEP: None. (VCEP specifications version 1.0.0).

Labcorp Genetics (formerly Invitae), Labcorp
Classification: Uncertain significance for Activated PI3K-delta syndrome. Last evaluated: 2025-06-08. Review status: criteria provided, single submitter. Criteria: Invitae Variant Classification Sherloc (09022015). Collection method: clinical testing. Allele origin: germline. Not counted in ClinVar's aggregate classification.
Comment: This sequence change replaces proline, which is neutral and non-polar, with leucine, which is neutral and non-polar, at codon 322 of the PIK3CD protein (p.Pro322Leu). This variant is present in population databases (rs758304879, gnomAD 0.003%). This variant has not been reported in the literature in individuals affected with PIK3CD-related conditions. ClinVar contains an entry for this variant (Variation ID: 942111). Invitae Evidence Modeling of protein sequence and biophysical properties (such as structural, functional, and spatial information, amino acid conservation, physicochemical variation, residue mobility, and thermodynamic stability) indicates that this missense variant is not expected to disrupt PIK3CD protein function with a negative predictive value of 80%. In summary, the available evidence is currently insufficient to determine the role of this variant in disease. Therefore, it has been classified as a Variant of Uncertain Significance.

NM_005026.5(PIK3CD):c.965C>T (p.Pro322Leu)

Gene: PIK3CD (phosphatidylinositol-4,5-bisphosphate 3-kinase catalytic subunit delta; plus strand). Cytogenetic location: 1p36.22.
Variant type: single nucleotide variant.
Coding change: c.965C>T on transcript NM_005026.5 (MANE Select); coding-DNA position 965, C replaced by T.
Protein change: p.Pro322Leu; replaces proline 322 with leucine.
Molecular consequence: missense variant.
Genome position (GRCh38, 1-based): chr1:9,717,571, C>T. VCF-style: chr1-9717571-C-T. GRCh37 (hg19) VCF-style: chr1-9777629-C-T.
Other names: NM_005026.5(PIK3CD):c.965C>T; p.Pro322Leu; c.965C>T, p.Pro322Leu (NM_001350234.2); c.878C>T, p.Pro293Leu (NM_001350235.1); short protein forms P293L, P322L.
Identifiers: ClinVar variation 942111 (VCV000942111.10), dbSNP rs758304879, ClinGen allele CA577037.
Genomic context (GRCh38, chr1:9,717,571, plus strand): 5'-AACAGCCCTGCTTCCCCGGCCCCCAGCCTTCCTCTGTGTCCCTGTGGTCCCTGGAGCAGC[C>T]GTTCCGCATCGAGCTCATCCAGGGCAGCAAAGTGAACGCCGACGAGCGGATGAAGGTGGG-3'
Protein context (NP_005017.3, residues 312-332): SSVSLWSLEQ[Pro322Leu]FRIELIQGSK